The following is an entry in ClinVar:

ClinVar aggregate classification (germline): Conflicting classifications of pathogenicity. Review status: criteria provided, conflicting classifications (1 of 4 stars). 5 submissions from 5 submitters: Uncertain significance (3); Likely benign (1). 1 of the submissions does not count toward it. Last evaluated 2025-12-25.

Conditions:
Neuromuscular disease caused by qualitative or quantitative defects of dysferlin. Also called: Dysferlinopathy; Qualitative or quantitative defects of dysferlin. Identifiers: Orphanet 207073, MedGen C2931687, MONDO:0016145.
Autosomal recessive limb-girdle muscular dystrophy type 2B (LGMDR2). Also called: MUSCULAR DYSTROPHY, LIMB-GIRDLE, TYPE 3; Limb-girdle muscular dystrophy, type 2B; MUSCULAR DYSTROPHY, LIMB-GIRDLE, AUTOSOMAL RECESSIVE 2; Limb-Girdle Muscular Dystrophy Type 2B (LGMD2B). Identifiers: Orphanet 268, MedGen C1850889, MONDO:0009676, OMIM 253601.

Allele frequency attached by ClinVar (database versions not stated): TOPMed 0.00004; gnomAD 0.00005 and 0.00006; gnomAD exomes 0.00005 and 0.00007; ESP Exome Variant Server 0.00008; ExAC 0.00009.
gnomAD v4.1: 78 of 1,613,878 alleles (0.0048%); highest among the groups gnomAD compares: Middle Eastern, 0.049%; no homozygotes.

Submissions (5):

Labcorp Genetics (formerly Invitae), Labcorp
Classification: Likely benign for Neuromuscular disease caused by qualitative or quantitative defects of dysferlin. Last evaluated: 2025-12-25. Review status: criteria provided, single submitter. Criteria: Invitae Variant Classification Sherloc (09022015). Collection method: clinical testing. Allele origin: germline.

GeneDx
Classification: Uncertain significance. Last evaluated: 2025-03-21. Review status: criteria provided, single submitter. Criteria: GeneDx Variant Classification Process June 2021. Collection method: clinical testing. Allele origin: germline. Affected: yes.
Comment: Reported as a de novo variant in one individual from a cohort of patients with neurodevelopmental disorders (PMID: 33057194); In silico analysis supports that this missense variant has a deleterious effect on protein structure/function; This variant is associated with the following publications: (PMID: 33057194, 35982159, 24438169)

Revvity Omics, Revvity
Classification: Uncertain significance. Last evaluated: 2020-10-26. Review status: criteria provided, single submitter. Criteria: ACMG Guidelines, 2015. Collection method: clinical testing. Allele origin: germline.

CeGaT Center for Human Genetics Tuebingen
Classification: Uncertain significance. Last evaluated: 2020-09-01. Review status: criteria provided, single submitter. Criteria: CeGaT Center For Human Genetics Tuebingen Variant Classification Criteria Version 2. Collection method: clinical testing. Allele origin: germline. Affected: yes. Observed: 1 variant allele.

Natera, Inc.
Classification: Uncertain significance for Limb-girdle muscular dystrophy type 2B. Last evaluated: 2020-01-24. Review status: no assertion criteria provided. Collection method: clinical testing. Allele origin: germline. Not counted in ClinVar's aggregate classification.

NM_001130987.2(DYSF):c.5908C>T (p.Arg1970Cys)

Gene: DYSF (dysferlin; plus strand). Cytogenetic location: 2p13.2.
Variant type: single nucleotide variant.
Coding change: c.5908C>T on transcript NM_001130987.2 (MANE Select); coding-DNA position 5908, C replaced by T.
Protein change: p.Arg1970Cys; replaces arginine 1970 with cysteine.
Molecular consequence: missense variant.
Genome position (GRCh38, 1-based): chr2:71,679,080, C>T. VCF-style: chr2-71679080-C-T. GRCh37 (hg19) VCF-style: chr2-71906210-C-T.
Other names: c.5794C>T, p.Arg1932Cys (NM_001130455.2); c.5749C>T, p.Arg1917Cys (NM_001130976.2); c.5812C>T, p.Arg1938Cys (NM_001130977.2); c.5854C>T, p.Arg1952Cys (NM_001130978.2); c.5884C>T, p.Arg1962Cys (NM_001130979.2); c.5842C>T, p.Arg1948Cys (NM_001130980.2); c.5905C>T, p.Arg1969Cys (NM_001130981.2); c.5887C>T, p.Arg1963Cys (NM_001130982.2); and 5 more; short protein forms R1970C, R1931C, R1918C, R1952C, R1938C, R1949C, R1962C, R1917C.
Identifiers: ClinVar variation 538646 (VCV000538646.52), dbSNP rs144116735, ClinGen allele CA1707548.